The following is an entry in ClinVar:

ClinVar aggregate classification (germline): Pathogenic (1 of 4 stars; one submission).

Submission:

CeGaT Center for Human Genetics Tuebingen
Classification: Pathogenic. Last evaluated: 2023-12-01. Review status: criteria provided, single submitter. Criteria: CeGaT Center For Human Genetics Tuebingen Variant Classification Criteria Version 2. Collection method: clinical testing. Allele origin: germline. Affected: yes. Observed: 1 variant allele.
Comment: PALB2: PVS1, PM2

NM_024675.4(PALB2):c.2652_2653delinsT (p.Glu884fs)

Gene: PALB2 (partner and localizer of BRCA2; minus strand). Cytogenetic location: 16p12.2.
Variant type: Indel.
Coding change: c.2652_2653delinsT on transcript NM_024675.4 (MANE Select); coding-DNA positions 2652 to 2653, GC replaced by T.
Protein change: p.Glu884fs; shifts the reading frame from glutamic acid 884.
Molecular consequence: frameshift variant. On other transcripts: intron variant (3).
Genome position (GRCh38, 1-based): chr16:23,626,331-23,626,332, GC replaced by A on the plus strand (GC replaced by T on the coding strand, the reverse complement: PALB2 is on the minus strand). VCF-style: chr16-23626331-GC-A. GRCh37 (hg19) VCF-style: chr16-23637652-GC-A.
Other names: c.2592_2593delinsT, p.Glu864fs (NM_001407296.1); c.2580_2581delinsT, p.Glu860fs (NM_001407297.1); c.2652_2653delinsT, p.Glu884fs (NM_001407299.1, NM_001407300.1, NM_001407301.1); c.1767_1768delinsT, p.Glu589fs (NM_001407304.1, NM_001407305.1, NM_001407306.1 and 4 more transcripts); c.864_865delinsT, p.Glu288fs (NM_001407312.1, NM_001407313.1); c.186_187delinsT, p.Glu62fs (NM_001407314.1); c.2587-2238_2587-2237delinsT (NM_001407302.1, NM_001407298.1); c.1702-2238_1702-2237delinsT (NM_001407307.1); short protein forms E288fs, E589fs, E62fs, E860fs, E864fs, E884fs.
Identifiers: ClinVar variation 3027379 (VCV003027379.22), dbSNP rs2506372227, ClinGen allele CA2740093279.